The following is an entry in ClinVar:

NM_014974.3(DIP2C):c.2470del (p.Arg824fs)

Genes: DIP2C (disco interacting protein 2 homolog C; minus strand), LOC126860806 (MED14-independent group 3 enhancer GRCh37_chr10:409736-410935; plus strand). Cytogenetic location: 10p15.3.
Variant type: Deletion.
Coding change: c.2470del on transcript NM_014974.3 (MANE Select); coding-DNA position 2470, one base deleted (C; older notation c.2470delC).
Protein change: p.Arg824fs; shifts the reading frame from arginine 824.
Molecular consequence: frameshift variant.
Genome position (GRCh38, 1-based): chr10:364,381, G deleted on the plus strand (C on the coding strand, the reverse complement: DIP2C is on the minus strand); the first of 2 consecutive G bases (chr10:364,381-364,382); deleting either gives the same sequence. VCF-style (leftmost placement, unchanged base first): chr10-364380-CG-C. GRCh37 (hg19) VCF-style: chr10-410320-CG-C.
Other names: short protein forms R824fs.
Identifiers: ClinVar variation 3364010 (VCV003364010.1).

ClinVar aggregate classification (germline): Uncertain significance (1 of 4 stars; one submission).

Submission:

GeneDx
Classification: Uncertain significance. Last evaluated: 2023-11-07. Review status: criteria provided, single submitter. Criteria: GeneDx Variant Classification Process June 2021. Collection method: clinical testing. Allele origin: germline. Affected: yes.
Comment: Not observed at significant frequency in large population cohorts (gnomAD); Frameshift variant predicted to result in protein truncation or nonsense mediated decay in a gene or region of a gene for which loss of function is not a well-established mechanism of disease; Has not been previously published as pathogenic or benign to our knowledge; Variants in candidate genes are classified as variants of uncertain significance in accordance with ACMG guidelines (PMID: 25741868)